The following is an entry in ClinVar:

ClinVar aggregate classification (germline): Conflicting classifications of pathogenicity. Review status: criteria provided, conflicting classifications (1 of 4 stars). 4 submissions from 4 submitters: Uncertain significance (2); Likely benign (2). Last evaluated 2025-11-26.

Conditions:
RYR1-related disorder. Also called: RYR1-related condition; RYR1-related disorders. Identifiers: MedGen CN239331.
Malignant hyperthermia, susceptibility to, 1 (MHS1). Also called: RYR1-Related Malignant Hyperthermia Susceptibility; Anesthesia related hyperthermia; Malignant hyperpyrexia; Fulminating hyperpyrexia; Pharmacogenic myopathy; Malignant hyperthermia suceptibility 1. Identifiers: Orphanet 423, MedGen C2930980, MONDO:0007783, OMIM 145600.

gnomAD v4.1: 7 of 1,572,038 alleles (0.00045%); highest among the groups gnomAD compares: East Asian, 0.0093%; no homozygotes.

Submissions (4):

Color Diagnostics, LLC DBA Color Health
Classification: Likely benign for Malignant hyperthermia, susceptibility to, 1. Last evaluated: 2025-11-26. Review status: criteria provided, single submitter. Criteria: ACMG Guidelines, 2015. Collection method: clinical testing. Allele origin: germline.

Labcorp Genetics (formerly Invitae), Labcorp
Classification: Likely benign for RYR1-related disorder. Last evaluated: 2024-02-01. Review status: criteria provided, single submitter. Criteria: Invitae Variant Classification Sherloc (09022015). Collection method: clinical testing. Allele origin: germline.

All of Us Research Program, National Institutes of Health
Classification: Uncertain significance for Malignant hyperthermia, susceptibility to, 1. Last evaluated: 2023-10-06. Review status: criteria provided, single submitter. Criteria: ACMG Guidelines, 2015. Collection method: clinical testing. Allele origin: germline. Inheritance: Autosomal dominant inheritance. Observed: 1 variant allele, 1 heterozygote.
Comment: This variant causes a C to G nucleotide substitution at the -9 position of intron 22 of the RYR1 gene. To our knowledge, functional studies have not been reported for this variant. This variant has not been reported in individuals affected with RYR1-related disorders in the literature. This variant has been identified in 2/218424 chromosomes in the general population by the Genome Aggregation Database (gnomAD). The available evidence is insufficient to determine the role of this variant in disease conclusively. Therefore, this variant is classified as a Variant of Uncertain Significance.

This study involves interpretation of variants in research participants for the purpose of population health screening. Participant phenotype was not available at the time of variant classification. Additional details can be found in publication PMID: 35346344, PMCID: PMC8962531

Blueprint Genetics
Classification: Uncertain significance. Last evaluated: 2020-08-17. Review status: criteria provided, single submitter. Criteria: ACMG Guidelines, 2015. Collection method: clinical testing. Allele origin: germline.

NM_000540.3(RYR1):c.2787-9C>G

Gene: RYR1 (ryanodine receptor 1; plus strand). Cytogenetic location: 19q13.2.
Variant type: single nucleotide variant.
Coding change: c.2787-9C>G on transcript NM_000540.3 (MANE Select); 9 bases into the intron before coding-DNA position 2787, C replaced by G.
Molecular consequence: intron variant.
Genome position (GRCh38, 1-based): chr19:38,464,630, C>G. VCF-style: chr19-38464630-C-G. GRCh37 (hg19) VCF-style: chr19-38955270-C-G.
Other names: c.2787-9C>G (NM_001042723.2).
Identifiers: ClinVar variation 2147913 (VCV002147913.6), dbSNP rs375167590, ClinGen allele CA308075054.